The following is an entry in ClinVar:

ClinVar aggregate classification (germline): Pathogenic/Likely pathogenic. Review status: criteria provided, multiple submitters, no conflicts (2 of 4 stars). 4 submissions from 4 submitters: Pathogenic (2); Likely pathogenic (2). Last evaluated 2024-03-07.

Conditions:
Galloway-Mowat syndrome 1 (GAMOS1). Identifiers: Orphanet 2065, Orphanet 83472, MedGen C4551772, MONDO:0033005, OMIM 251300.
Inborn genetic diseases. Identifiers: MedGen C0950123, MeSH D030342.

Allele frequency attached by ClinVar (database versions not stated): gnomAD exomes 0.00001; ExAC 0.00003; gnomAD 0.00003; TOPMed 0.00003.
gnomAD v4.1: 14 of 1,613,864 alleles (0.00087%); highest among the groups gnomAD compares: East Asian, 0.013%; no homozygotes.

Submissions (4):

Fulgent Genetics
Classification: Likely pathogenic for Galloway-Mowat syndrome 1. Last evaluated: 2024-03-07. Review status: criteria provided, single submitter. Criteria: ACMG Guidelines, 2015. Collection method: clinical testing. Allele origin: germline.

Labcorp Genetics (formerly Invitae), Labcorp
Classification: Pathogenic. Last evaluated: 2023-09-27. Review status: criteria provided, single submitter. Criteria: Invitae Variant Classification Sherloc (09022015). Collection method: clinical testing. Allele origin: germline.
Comment: For these reasons, this variant has been classified as Pathogenic. Algorithms developed to predict the effect of sequence changes on RNA splicing suggest that this variant may create or strengthen a splice site. ClinVar contains an entry for this variant (Variation ID: 2297702). This variant has not been reported in the literature in individuals affected with WDR73-related conditions. This sequence change creates a premature translational stop signal (p.Trp7*) in the WDR73 gene. It is expected to result in an absent or disrupted protein product. Loss-of-function variants in WDR73 are known to be pathogenic (PMID: 25466283, 25873735, 26123727). This variant is present in population databases (rs763696297, gnomAD 0.07%).

Ambry Genetics
Classification: Likely pathogenic for Inborn genetic diseases. Last evaluated: 2022-07-04. Review status: criteria provided, single submitter. Criteria: Ambry Variant Classification Scheme 2023. Collection method: clinical testing. Allele origin: germline.
Comment: The c.21G>A (p.W7*) alteration, located in exon 1 (coding exon 1) of the WDR73 gene, consists of a G to A substitution at nucleotide position 21. This changes the amino acid from a tryptophan (W) to a stop codon at amino acid position 7. The predicted stop codon occurs in the 5' end of the WDR73 gene. Premature termination codons in the 5&rsquo; end of a gene have been reported to escape nonsense-mediated mRNA decay and/or lead to re-initiation (Rivas, 2015; Lindeboom, 2016; Rhee, 2017). Direct evidence for this alteration is unavailable; however, premature termination codons are typically deleterious in nature. Based on the available evidence, this alteration is classified as likely pathogenic.

Juno Genomics, Hangzhou Juno Genomics, Inc
Classification: Pathogenic for Galloway-Mowat syndrome 1. Review status: criteria provided, single submitter. Criteria: ACMG Guidelines, 2015. Collection method: clinical testing. Allele origin: germline.
Comment: Absent from controls (or at extremely low frequency if recessive) in Genome Aggregation Database.;Null variant in a gene where loss of function (LOF) is a known mechanism of disease.;For recessive disorders, detected in trans with a pathogenic variant.

Literature cited by the submitters: PubMed 25466283 (cited by Labcorp Genetics (formerly Invitae), Labcorp); PubMed 25873735 (cited by Labcorp Genetics (formerly Invitae), Labcorp); PubMed 26123727 (cited by Labcorp Genetics (formerly Invitae), Labcorp); PubMed 25954003 (cited by Ambry Genetics); PubMed 27618451 (cited by Ambry Genetics); PubMed 28490743 (cited by Ambry Genetics).

NM_032856.5(WDR73):c.21G>A (p.Trp7Ter)

Gene: WDR73 (WD repeat domain 73; minus strand). Cytogenetic location: 15q25.2.
Variant type: single nucleotide variant.
Coding change: c.21G>A on transcript NM_032856.5 (MANE Select); coding-DNA position 21, G replaced by A.
Protein change: p.Trp7Ter; replaces tryptophan 7 with a stop codon.
Molecular consequence: nonsense. On other transcripts: non-coding transcript variant (4).
Genome position (GRCh38, 1-based): chr15:84,654,254, C>T on the plus strand (G>A on the coding strand, the complement: WDR73 is on the minus strand). VCF-style: chr15-84654254-C-T. GRCh37 (hg19) VCF-style: chr15-85197485-C-T.
Other names: short protein forms W7*.
Identifiers: ClinVar variation 2297702 (VCV002297702.8), dbSNP rs763696297, ClinGen allele CA7707546.